The following is an entry in ClinVar:

NM_004360.5(CDH1):c.2090A>G (p.Lys697Arg)

Gene: CDH1 (cadherin 1; plus strand). Cytogenetic location: 16q22.1.
Variant type: single nucleotide variant.
Coding change: c.2090A>G on transcript NM_004360.5 (MANE Select); coding-DNA position 2090, A replaced by G.
Protein change: p.Lys697Arg; replaces lysine 697 with arginine.
Molecular consequence: missense variant.
Genome position (GRCh38, 1-based): chr16:68,823,552, A>G. VCF-style: chr16-68823552-A-G. GRCh37 (hg19) VCF-style: chr16-68857455-A-G.
Other names: c.2090A>G (NM_004360.3); c.1907A>G, p.Lys636Arg (NM_001317184.2); c.542A>G, p.Lys181Arg (NM_001317185.2); c.125A>G, p.Lys42Arg (NM_001317186.2); short protein forms K181R, K697R, K42R, K636R.
Identifiers: ClinVar variation 918022 (VCV000918022.15), dbSNP rs1961233865, ClinGen allele CA396467832.

ClinVar aggregate classification (germline): Conflicting classifications of pathogenicity. Review status: criteria provided, conflicting classifications (1 of 4 stars). 3 submissions from 3 submitters: Uncertain significance (2); Likely benign (1). Last evaluated 2025-06-20.

Conditions:
Hereditary cancer-predisposing syndrome. Also called: Hereditary Cancer Syndrome; Hereditary neoplastic syndrome; Neoplastic Syndromes, Hereditary; Tumor predisposition. Identifiers: Orphanet 140162, MedGen C0027672, MeSH D009386, MONDO:0015356.
Hereditary diffuse gastric adenocarcinoma (HDGC). Also called: DIFFUSE GASTRIC AND LOBULAR BREAST CANCER SYNDROME. Identifiers: Orphanet 26106, MedGen C1708349, MONDO:0007648, OMIM 137215.

Submissions (3):

Ambry Genetics
Classification: Likely benign for Hereditary cancer-predisposing syndrome. Last evaluated: 2025-06-20. Review status: criteria provided, single submitter. Criteria: Ambry Variant Classification Scheme 2023. Collection method: clinical testing. Allele origin: germline.

Labcorp Genetics (formerly Invitae), Labcorp
Classification: Uncertain significance for Hereditary diffuse gastric adenocarcinoma. Last evaluated: 2024-05-21. Review status: criteria provided, single submitter. Criteria: Invitae Variant Classification Sherloc (09022015). Collection method: clinical testing. Allele origin: germline.
Comment: This sequence change replaces lysine, which is basic and polar, with arginine, which is basic and polar, at codon 697 of the CDH1 protein (p.Lys697Arg). This variant is not present in population databases (gnomAD no frequency). This variant has not been reported in the literature in individuals affected with CDH1-related conditions. ClinVar contains an entry for this variant (Variation ID: 918022). Algorithms developed to predict the effect of missense changes on protein structure and function output the following: SIFT: "Not Available"; PolyPhen-2: "Benign"; Align-GVGD: "Not Available". The arginine amino acid residue is found in multiple mammalian species, which suggests that this missense change does not adversely affect protein function. In summary, the available evidence is currently insufficient to determine the role of this variant in disease. Therefore, it has been classified as a Variant of Uncertain Significance.

Color Diagnostics, LLC DBA Color Health
Classification: Uncertain significance for Hereditary cancer-predisposing syndrome. Last evaluated: 2023-12-04. Review status: criteria provided, single submitter. Criteria: ACMG Guidelines, 2015. Collection method: clinical testing. Allele origin: germline.
Comment: This missense variant replaces lysine with arginine at codon 697 of the CDH1 protein. To our knowledge, functional studies have not been reported for this variant. This variant has not been reported in individuals affected with hereditary cancer in the literature. This variant has not been identified in the general population by the Genome Aggregation Database (gnomAD). The available evidence is insufficient to determine the role of this variant in disease conclusively. Therefore, this variant is classified as a Variant of Uncertain Significance.